The following is an entry in ClinVar:

NM_000432.4(MYL2):c.173G>T (p.Arg58Leu)

Gene: MYL2 (myosin light chain 2; minus strand). Cytogenetic location: 12q24.11.
Variant type: single nucleotide variant.
Coding change: c.173G>T on transcript NM_000432.4 (MANE Select); coding-DNA position 173, G replaced by T.
Protein change: p.Arg58Leu; replaces arginine 58 with leucine.
Molecular consequence: missense variant.
Genome position (GRCh38, 1-based): chr12:110,914,287, C>A on the plus strand (G>T on the coding strand, the complement: MYL2 is on the minus strand). VCF-style: chr12-110914287-C-A. GRCh37 (hg19) VCF-style: chr12-111352091-C-A.
Other names: short protein forms R58L.
Identifiers: ClinVar variation 532778 (VCV000532778.37), dbSNP rs104894369, ClinGen allele CA386698863.

ClinVar aggregate classification (germline): Likely pathogenic. Review status: criteria provided, multiple submitters, no conflicts (2 of 4 stars). 3 submissions from 3 submitters: Likely pathogenic (3). Last evaluated 2023-12-13.

Conditions:
Hypertrophic cardiomyopathy 10. Also called: MYL2-Related Familial Hypertrophic Cardiomyopathy; CARDIOMYOPATHY, HYPERTROPHIC, MID-LEFT VENTRICULAR CHAMBER TYPE, 2. Identifiers: MedGen C1834460, MONDO:0012112, OMIM 608758.

Submissions (3):

Labcorp Genetics (formerly Invitae), Labcorp
Classification: Likely pathogenic for Hypertrophic cardiomyopathy 10. Last evaluated: 2023-12-13. Review status: criteria provided, single submitter. Criteria: Invitae Variant Classification Sherloc (09022015). Collection method: clinical testing. Allele origin: germline.
Comment: This sequence change replaces arginine, which is basic and polar, with leucine, which is neutral and non-polar, at codon 58 of the MYL2 protein (p.Arg58Leu). This variant is not present in population databases (gnomAD no frequency). This missense change has been observed in individuals with hypertrophic cardiomyopathy (PMID: 26914223; Invitae). ClinVar contains an entry for this variant (Variation ID: 532778). An algorithm developed to predict the effect of missense changes on protein structure and function (PolyPhen-2) suggests that this variant is likely to be tolerated. This variant disrupts the p.Arg58 amino acid residue in MYL2. Other variant(s) that disrupt this residue have been determined to be pathogenic (PMID: 9535554, 12404107, 14594949, 19150977, 20855589). This suggests that this residue is clinically significant, and that variants that disrupt this residue are likely to be disease-causing. In summary, the currently available evidence indicates that the variant is pathogenic, but additional data are needed to prove that conclusively. Therefore, this variant has been classified as Likely Pathogenic.

CeGaT Center for Human Genetics Tuebingen
Classification: Likely pathogenic. Last evaluated: 2023-11-01. Review status: criteria provided, single submitter. Criteria: CeGaT Center For Human Genetics Tuebingen Variant Classification Criteria Version 2. Collection method: clinical testing. Allele origin: germline. Affected: yes. Observed: 1 variant allele.
Comment: MYL2: PM2, PM5, PS4:Moderate

GeneDx
Classification: Likely pathogenic. Last evaluated: 2019-09-19. Review status: criteria provided, single submitter. Criteria: GeneDx Variant Classification Process June 2021. Collection method: clinical testing. Allele origin: germline. Affected: yes.
Comment: Not observed in large population cohorts (Lek et al., 2016); In silico analysis, which includes protein predictors and evolutionary conservation, supports a deleterious effect; Reported in ClinVar as a likely pathogenic variant (ClinVar Variant ID# 532778; Landrum et al., 2016); This variant is associated with the following publications: (PMID: 24793961, 26914223)

Literature cited by the submitters: PubMed 26914223 (cited by Labcorp Genetics (formerly Invitae), Labcorp); PubMed 9535554 (cited by Labcorp Genetics (formerly Invitae), Labcorp); PubMed 12404107 (cited by Labcorp Genetics (formerly Invitae), Labcorp); PubMed 14594949 (cited by Labcorp Genetics (formerly Invitae), Labcorp); PubMed 19150977 (cited by Labcorp Genetics (formerly Invitae), Labcorp); PubMed 20855589 (cited by Labcorp Genetics (formerly Invitae), Labcorp).